The following is an entry in ClinVar:

NC_000001.10:g.(?_235634154)_(235667552_?)dup

Gene: B3GALNT2 (beta-1,3-N-acetylgalactosaminyltransferase 2; minus strand). Cytogenetic location: 1q42.3.
Variant type: Duplication.
Identifiers: ClinVar variation 1008523 (VCV001008523.7).

ClinVar aggregate classification (germline): Uncertain significance (1 of 4 stars; one submission).

Conditions:
Muscular dystrophy-dystroglycanopathy (congenital with brain and eye anomalies), type a, 11 (MDDGA11). Also called: Muscular dystrophy-dystroglycanopathy (congenital with brain and eye anomalies, type A, 11; WALKER-WARBURG SYNDROME OR MUSCLE-EYE-BRAIN DISEASE, B3GALNT2-RELATED; Congenital muscular dystrophy-dystroglycanopathy with brain and eye anomalies, type A11. Identifiers: Orphanet 588, Orphanet 899, MedGen C3554638, MONDO:0014071, OMIM 615181.

Submission:

Labcorp Genetics (formerly Invitae), Labcorp
Classification: Uncertain significance for Muscular dystrophy-dystroglycanopathy (congenital with brain and eye anomalies), type a, 11. Last evaluated: 2022-08-15. Review status: criteria provided, single submitter. Criteria: Invitae Variant Classification Sherloc (09022015). Collection method: clinical testing. Allele origin: germline.
Comment: In summary, the available evidence is currently insufficient to determine the role of this variant in disease. Therefore, it has been classified as a Variant of Uncertain Significance. This variant has not been reported in the literature in individuals affected with B3GALNT2-related conditions. This variant results in a copy number gain of the genomic region encompassing exon(s) 1-6 of the B3GALNT2 gene. This region includes the initiator codon of the gene. This copy number gain extends beyond the assayed region for this gene and therefore may encompass additional genes. As the precise location of this event is unknown, it may be in tandem or it may be located elsewhere in the genome.